The following is an entry in ClinVar:

NM_020922.5(WNK3):c.4363C>T (p.Leu1455=)

Gene: WNK3 (WNK lysine deficient protein kinase 3; minus strand). Cytogenetic location: Xp11.22.
Variant type: single nucleotide variant.
Coding change: c.4363C>T on transcript NM_020922.5 (MANE Select); coding-DNA position 4363, C replaced by T.
Protein change: p.Leu1455=; no amino-acid change (leucine 1455 retained).
Molecular consequence: synonymous variant.
Genome position (GRCh38, 1-based): chrX:54,237,203, G>A on the plus strand (C>T on the coding strand, the complement: WNK3 is on the minus strand). VCF-style: chrX-54237203-G-A. GRCh37 (hg19) VCF-style: chrX-54263636-G-A.
Other names: c.4222C>T, p.Leu1408= (NM_001002838.4, NM_001395166.1).
Identifiers: ClinVar variation 5039220 (VCV005039220.1).

ClinVar aggregate classification (germline): Likely benign (1 of 4 stars; one submission).

gnomAD v4.1: 5 of 1,210,427 alleles (0.00041%); highest among the groups gnomAD compares: Non-Finnish European, 0.00056%; no homozygotes.

Submission:

CeGaT Center for Human Genetics Tuebingen
Classification: Likely benign. Last evaluated: 2026-07-01. Review status: criteria provided, single submitter. Criteria: CeGaT Center For Human Genetics Tuebingen Variant Classification Criteria Version 2. Collection method: clinical testing. Allele origin: germline. Affected: yes. Observed: 1 variant allele.
Comment: WNK3: BP4, BP7